The following is an entry in ClinVar:

NM_144997.7(FLCN):c.578T>G (p.Val193Gly)

Gene: FLCN (folliculin; minus strand). Cytogenetic location: 17p11.2.
Variant type: single nucleotide variant.
Coding change: c.578T>G on transcript NM_144997.7 (MANE Select); coding-DNA position 578, T replaced by G.
Protein change: p.Val193Gly; replaces valine 193 with glycine.
Molecular consequence: missense variant.
Genome position (GRCh38, 1-based): chr17:17,223,962, A>C on the plus strand (T>G on the coding strand, the complement: FLCN is on the minus strand). VCF-style: chr17-17223962-A-C. GRCh37 (hg19) VCF-style: chr17-17127276-A-C.
Other names: c.632T>G, p.Val211Gly (NM_001353229.2); c.578T>G, p.Val193Gly (NM_001353230.2, NM_001353231.2, NM_144606.7); short protein forms V211G, V193G.
Identifiers: ClinVar variation 2561014 (VCV002561014.2), dbSNP rs2144972872, ClinGen allele CA398534248.
Genomic context (GRCh38, chr17:17,223,962, plus strand): 5'-CACCTCATCTCTGAATTCACCTTGAGCGCCTTGCCCTGGAGCTCATCGATGATTCCCCGG[A>C]CCTTCCCCAGCAGGAAGGGCCAGGAGTTGATGAGGTAGATCCGGTCCATCATGATGGTGA-3'
Protein context (NP_659434.2, residues 183-203): INSWPFLLGK[Val193Gly]RGIIDELQGK

ClinVar aggregate classification (germline): Uncertain significance (1 of 4 stars; one submission).

Conditions:
Hereditary cancer-predisposing syndrome. Also called: Neoplastic Syndromes, Hereditary; Hereditary Cancer Syndrome; Hereditary neoplastic syndrome; Tumor predisposition. Identifiers: Orphanet 140162, MedGen C0027672, MeSH D009386, MONDO:0015356.

Submission:

Ambry Genetics
Classification: Uncertain significance for Hereditary cancer-predisposing syndrome. Last evaluated: 2023-06-12. Review status: criteria provided, single submitter. Criteria: Ambry Variant Classification Scheme 2023. Collection method: clinical testing. Allele origin: germline.
Comment: The p.V193G variant (also known as c.578T>G), located in coding exon 3 of the FLCN gene, results from a T to G substitution at nucleotide position 578. The valine at codon 193 is replaced by glycine, an amino acid with dissimilar properties. This amino acid position is conserved. In addition, the in silico prediction for this alteration is inconclusive. Since supporting evidence is limited at this time, the clinical significance of this alteration remains unclear.